The following is an entry in ClinVar:

ClinVar aggregate classification (germline): Likely benign (0 of 4 stars; one submission).

Conditions:
GNAI1-related disorder.

Allele frequency attached by ClinVar (database versions not stated): TOPMed 0.00005; ExAC 0.00006; ESP Exome Variant Server 0.00008.
gnomAD v4.1: 143 of 1,590,640 alleles (0.009%); highest among the groups gnomAD compares: South Asian, 0.028%; 1 homozygote.

Submission:

PreventionGenetics, part of Exact Sciences
Classification: Likely benign for GNAI1-related condition. Last evaluated: 2019-11-26. Review status: no assertion criteria provided. Collection method: clinical testing. Allele origin: germline.
Comment: This variant is classified as likely benign based on ACMG/AMP sequence variant interpretation guidelines (Richards et al. 2015 PMID: 25741868, with internal and published modifications).

NM_002069.6(GNAI1):c.507G>A (p.Pro169=)

Gene: GNAI1 (G protein subunit alpha i1; plus strand). Cytogenetic location: 7q21.11.
Variant type: single nucleotide variant.
Coding change: c.507G>A on transcript NM_002069.6 (MANE Select); coding-DNA position 507, G replaced by A.
Protein change: p.Pro169=; no amino-acid change (proline 169 retained).
Molecular consequence: synonymous variant.
Genome position (GRCh38, 1-based): chr7:80,203,749, G>A. VCF-style: chr7-80203749-G-A. GRCh37 (hg19) VCF-style: chr7-79833065-G-A.
Other names: c.351G>A, p.Pro117= (NM_001256414.2).
Identifiers: ClinVar variation 3047974 (VCV003047974.2), dbSNP rs140625096, ClinGen allele CA4314562.
Genomic context (GRCh38, chr7:80,203,749, plus strand): 5'-TTTAATTTTTTTCAGCTATTTGAATGACTTGGACAGAATAGCTCAACCAAATTACATCCC[G>A]ACTCAACAAGATGTTCTCAGAACTAGAGTGAAAACTACAGGAATTGTTGAAACCCATTTT-3'
Protein context (NP_002060.4, residues 159-179): LDRIAQPNYI[Pro169=]TQQDVLRTRV